The following is an entry in ClinVar:

NM_004360.5(CDH1):c.717G>A (p.Gly239=)

Gene: CDH1 (cadherin 1; plus strand). Cytogenetic location: 16q22.1.
Variant type: single nucleotide variant.
Coding change: c.717G>A on transcript NM_004360.5 (MANE Select); coding-DNA position 717, G replaced by A.
Protein change: p.Gly239=; no amino-acid change (glycine 239 retained).
Molecular consequence: synonymous variant. On other transcripts: 5 prime UTR variant (2).
Genome position (GRCh38, 1-based): chr16:68,810,226, G>A. VCF-style: chr16-68810226-G-A. GRCh37 (hg19) VCF-style: chr16-68844129-G-A.
Other names: c.717G>A (LRG_301t1); c.717G>A, p.Gly239= (NM_001317184.2); c.-899G>A (NM_001317185.2); c.-1103G>A (NM_001317186.2).
Identifiers: ClinVar variation 483218 (VCV000483218.21), dbSNP rs749491453, ClinGen allele CA8129924.

ClinVar aggregate classification (germline): Benign/Likely benign. Review status: criteria provided, multiple submitters, no conflicts (2 of 4 stars). 5 submissions from 5 submitters: Benign (1); Likely benign (4). Last evaluated 2025-07-29.

Conditions:
Hereditary cancer-predisposing syndrome. Also called: Hereditary neoplastic syndrome; Neoplastic Syndromes, Hereditary; Tumor predisposition; Hereditary Cancer Syndrome. Identifiers: Orphanet 140162, MedGen C0027672, MeSH D009386, MONDO:0015356.
Hereditary diffuse gastric adenocarcinoma (HDGC). Also called: DIFFUSE GASTRIC AND LOBULAR BREAST CANCER SYNDROME. Identifiers: Orphanet 26106, MedGen C1708349, MONDO:0007648, OMIM 137215.

Allele frequency attached by ClinVar (database versions not stated): gnomAD exomes below 0.00001; ExAC 0.00001.
gnomAD v4.1: 3 of 1,614,112 alleles (0.00019%); highest among the groups gnomAD compares: Non-Finnish European, 0.00017%; no homozygotes.

Submissions (5):

Labcorp Genetics (formerly Invitae), Labcorp
Classification: Likely benign for Hereditary diffuse gastric adenocarcinoma. Last evaluated: 2025-07-29. Review status: criteria provided, single submitter. Criteria: Invitae Variant Classification Sherloc (09022015). Collection method: clinical testing. Allele origin: germline.

Myriad Genetics, Inc.
Classification: Benign for Hereditary diffuse gastric adenocarcinoma. Last evaluated: 2024-09-13. Review status: criteria provided, single submitter. Criteria: Myriad Autosomal Dominant, Autosomal Recessive and X-Linked Classification Criteria (2023). Collection method: clinical testing. Allele origin: unknown.
Comment: This variant is considered benign. This variant is a silent/synonymous amino acid change and it is not expected to impact splicing.

Women's Health and Genetics/Laboratory Corporation of America, LabCorp
Classification: Likely benign. Last evaluated: 2019-08-28. Review status: criteria provided, single submitter. Criteria: LabCorp Variant Classification Summary - May 2015. Collection method: clinical testing. Allele origin: germline.

Ambry Genetics
Classification: Likely benign for Hereditary cancer-predisposing syndrome. Last evaluated: 2017-01-18. Review status: criteria provided, single submitter. Criteria: Ambry Variant Classification Scheme 2023. Collection method: clinical testing. Allele origin: germline.

Color Diagnostics, LLC DBA Color Health
Classification: Likely benign for Hereditary cancer-predisposing syndrome. Last evaluated: 2016-10-31. Review status: criteria provided, single submitter. Criteria: ACMG Guidelines, 2015. Collection method: clinical testing. Allele origin: germline.